The following is an entry in ClinVar:

NM_000377.3(WAS):c.1289dup (p.Arg431fs)

Gene: WAS (WASP actin nucleation promoting factor; plus strand). Cytogenetic location: Xp11.23.
Variant type: Duplication.
Coding change: c.1289dup on transcript NM_000377.3 (MANE Select); coding-DNA position 1289, one base duplicated (G; older notation c.1289dupG).
Protein change: p.Arg431fs; shifts the reading frame from arginine 431.
Molecular consequence: frameshift variant.
Genome position (GRCh38, 1-based): chrX:48,689,017, G duplicated; the last of 5 consecutive G bases (chrX:48,689,013-48,689,017); duplicating any one gives the same sequence. VCF-style (leftmost placement, unchanged base first): chrX-48689012-T-TG. GRCh37 (hg19) VCF-style: chrX-48547401-T-TG.
Other names: short protein forms R431fs.
Identifiers: ClinVar variation 3759640 (VCV003759640.2).

ClinVar aggregate classification (germline): Pathogenic (1 of 4 stars; one submission).

Conditions:
X-linked severe congenital neutropenia (SCNX). Identifiers: Orphanet 86788, MedGen C1845987, MONDO:0010294, OMIM 300299.
Thrombocytopenia 1. Also called: THROMBOCYTOPENIA, X-LINKED, 1; X-linked thrombocytopenia with normal platelets; X-Linked Thrombocytopenia (XLT). Identifiers: Orphanet 268322, Orphanet 852, MedGen C1839163, MONDO:0010743, OMIM 313900.
Wiskott-Aldrich syndrome (WAS). Also called: ALDRICH SYNDROME; IMMUNODEFICIENCY 2; Wiskott-aldrich syndrome, somatic; WISKOTT-ALDRICH SYNDROME 1. Identifiers: Orphanet 906, MedGen C0043194, MONDO:0010518, OMIM 301000.

Submission:

Labcorp Genetics (formerly Invitae), Labcorp
Classification: Pathogenic for Wiskott-Aldrich syndrome; X-linked severe congenital neutropenia; Thrombocytopenia 1. Last evaluated: 2024-01-31. Review status: criteria provided, single submitter. Criteria: Invitae Variant Classification Sherloc (09022015). Collection method: clinical testing. Allele origin: germline.
Comment: This sequence change creates a premature translational stop signal (p.Arg431Serfs*64) in the WAS gene. While this is not anticipated to result in nonsense mediated decay, it is expected to disrupt the last 72 amino acid(s) of the WAS protein. This variant is not present in population databases (gnomAD no frequency). This variant has not been reported in the literature in individuals affected with WAS-related conditions. This variant disrupts a region of the WAS protein in which other variant(s) (p.Asp485Asn) have been determined to be pathogenic (PMID: 10447259, 10691337, 11298372, 19817875). This suggests that this is a clinically significant region of the protein, and that variants that disrupt it are likely to be disease-causing. For these reasons, this variant has been classified as Pathogenic.

Literature cited by the submitters: PubMed 10447259; PubMed 10691337; PubMed 11298372; PubMed 19817875.